The following is an entry in ClinVar:

NM_007214.5(SEC63):c.237G>A (p.Leu79=)

Gene: SEC63 (SEC63 protein translocation regulator; minus strand). Cytogenetic location: 6q21.
Variant type: single nucleotide variant.
Coding change: c.237G>A on transcript NM_007214.5 (MANE Select); coding-DNA position 237, G replaced by A.
Protein change: p.Leu79=; no amino-acid change (leucine 79 retained).
Molecular consequence: synonymous variant.
Genome position (GRCh38, 1-based): chr6:107,924,920, C>T on the plus strand (G>A on the coding strand, the complement: SEC63 is on the minus strand). VCF-style: chr6-107924920-C-T. GRCh37 (hg19) VCF-style: chr6-108246124-C-T.
Identifiers: ClinVar variation 354917 (VCV000354917.8), dbSNP rs146134069, ClinGen allele CA3947792.

ClinVar aggregate classification (germline): Likely benign. Review status: criteria provided, multiple submitters, no conflicts (2 of 4 stars). 2 submissions from 2 submitters: Likely benign (2). Last evaluated 2025-03-31.

Conditions:
Polycystic liver disease 2 (PCLD2). Also called: Polycystic liver disease 2 with or without kidney cysts. Identifiers: Orphanet 2924, MedGen C4310769, MONDO:0014860, OMIM 617004.

Allele frequency attached by ClinVar (database versions not stated): gnomAD 0.00005 and 0.00006; gnomAD exomes 0.00005 and 0.00007; ExAC 0.00007; TOPMed 0.00007; ESP Exome Variant Server 0.00023.
gnomAD v4.1: 83 of 1,582,166 alleles (0.0052%); highest among the groups gnomAD compares: Admixed American, 0.0067%; no homozygotes.

Submissions (2):

Labcorp Genetics (formerly Invitae), Labcorp
Classification: Likely benign. Last evaluated: 2025-03-31. Review status: criteria provided, single submitter. Criteria: Invitae Variant Classification Sherloc (09022015). Collection method: clinical testing. Allele origin: germline.

Illumina Laboratory Services, Illumina
Classification: Likely benign for Polycystic liver disease 2. Last evaluated: 2018-01-12. Review status: criteria provided, single submitter. Criteria: ICSL Variant Classification Criteria 13 December 2019. Collection method: clinical testing. Allele origin: germline.
Comment: This variant was observed in the ICSL laboratory as part of a predisposition screen in an ostensibly healthy population. It had not been previously curated by ICSL or reported in the Human Gene Mutation Database (HGMD: prior to June 1st, 2018), and was therefore a candidate for classification through an automated scoring system. Utilizing variant allele frequency, disease prevalence and penetrance estimates, and inheritance mode, an automated score was calculated to assess if this variant is too frequent to cause the disease. Based on the score and internal cut-off values, a variant classified as likely benign is not then subjected to further curation. The score for this variant resulted in a classification of likely benign for this disease.